The following is an entry in ClinVar:

NM_000051.4(ATM):c.4674_4695del (p.Ile1559fs)

Gene: ATM (ATM serine/threonine kinase; plus strand). Cytogenetic location: 11q22.3.
Variant type: Deletion.
Coding change: c.4674_4695del on transcript NM_000051.4 (MANE Select); coding-DNA positions 4674 to 4695, 22 bases deleted (GATTAAGCTTTTAGATCCTTTT).
Protein change: p.Ile1559fs; shifts the reading frame from isoleucine 1559.
Molecular consequence: frameshift variant.
Genome position (GRCh38, 1-based): chr11:108,293,375-108,293,396, GATTAAGCTTTTAGATCCTTTT deleted. VCF-style (leftmost placement, unchanged base first): chr11-108293374-CGATTAAGCTTTTAGATCCTTTT-C. GRCh37 (hg19) VCF-style: chr11-108164101-CGATTAAGCTTTTAGATCCTTTT-C.
Other names: c.4674_4695del, p.Ile1559fs (NM_001351834.2); short protein forms I1559fs.
Identifiers: ClinVar variation 1050010 (VCV001050010.1), dbSNP rs2135811484, ClinGen allele CA2499220643.

ClinVar aggregate classification (germline): Pathogenic (0 of 4 stars; one submission).

Conditions:
Familial ovarian cancer. Identifiers: MedGen C5679802, MONDO:0016248.

Submission:

Department of Pathology and Laboratory Medicine, Sinai Health System
Classification: Pathogenic for Familial ovarian cancer. Review status: no assertion criteria provided. Collection method: clinical testing. Allele origin: unknown. Affected: yes. Study: The Canadian Open Genetics Repository (COGR).
Comment: The ATM p.Ile1559Leufs*35 variant was not identified in the literature nor was it identified in the dbSNP, ClinVar, COGR, Cosmic, LOVD 3.0, the Exome Aggregation Consortium (August 8th 2016), or the Genome Aggregation Database (Feb 27, 2017). The c.4674_4695del variant is predicted to cause a frameshift, which alters the protein's amino acid sequence beginning at codon 1559 and leads to a premature stop codon at position 1593. This alteration is then predicted to result in a truncated or absent protein and loss of function. Loss of function variants of the ATM gene are an established mechanism of disease in ATM associated cancers and is the type of variant expected to cause the disorder. In summary, based on the above information this variant meets our laboratoryâ€šÃ„Ã´s criteria to be classified as pathogenic.